The following is an entry in ClinVar:

NM_181458.4(PAX3):c.879del (p.Phe294fs)

Gene: PAX3 (paired box 3; minus strand). Cytogenetic location: 2q36.1.
Variant type: Deletion.
Coding change: c.879del on transcript NM_181458.4 (MANE Select); coding-DNA position 879, one base deleted (G; older notation c.879delG).
Protein change: p.Phe294fs; shifts the reading frame from phenylalanine 294.
Molecular consequence: frameshift variant.
Genome position (GRCh38, 1-based): chr2:222,221,301, C deleted on the plus strand (G on the coding strand, the reverse complement: PAX3 is on the minus strand); the first of 6 consecutive C bases (chr2:222,221,301-222,221,306); deleting any one gives the same sequence. VCF-style (leftmost placement, unchanged base first): chr2-222221300-AC-A. GRCh37 (hg19) VCF-style: chr2-223086019-AC-A.
Other names: c.879del (NM_181457.3); c.876del, p.Phe293fs (NM_001127366.3); c.879del, p.Phe294fs (NM_181457.4, NM_181459.4, NM_181460.4 and 1 more transcripts); short protein forms F294fs, F293fs.
Identifiers: ClinVar variation 1447634 (VCV001447634.10), dbSNP rs1553572967, ClinGen allele CA431575528.

ClinVar aggregate classification (germline): Pathogenic/Likely pathogenic. Review status: criteria provided, multiple submitters, no conflicts (2 of 4 stars). 4 submissions from 4 submitters: Pathogenic (3); Likely pathogenic (1). Last evaluated 2026-08-18.

Conditions:
PAX3-related disorder. Also called: PAX3-related condition.
Waardenburg syndrome type 1 (WS1). Also called: Waardenburg Syndrome Type I; WAARDENBURG SYNDROME WITH DYSTOPIA CANTHORUM. Identifiers: Orphanet 894, MedGen C1847800, MONDO:0008670, OMIM 193500.

Submissions (4):

Kasturba Medical College, Manipal, Kasturba Medical College, Manipal, Manipal Academy of Higher Education, Manipal, India
Classification: Pathogenic for Waardenburg syndrome type 1. Last evaluated: 2026-08-18. Review status: criteria provided, single submitter. Criteria: ACMG Guidelines, 2015. Collection method: research. Allele origin: unknown. Inheritance: Autosomal dominant inheritance. Affected: yes. Observed: 1 variant allele, 1 heterozygote.
Comment: This variant is present in one individual in heterozygous state and absent in homozygous state in gnomAD population database (v4.1.0). This variant is absent in heterozygous and/or homozygous state in our in-house database of 4415 exomes.

GeneDx
Classification: Likely pathogenic. Last evaluated: 2026-05-28. Review status: criteria provided, single submitter. Criteria: GeneDx Variant Classification Process June 2021. Collection method: clinical testing. Allele origin: germline.
Comment: Reported in a patient with WS1 in published literature; clinical information is limited (PMID: 20127975); Frameshift variant predicted to result in abnormal protein length as the last 186 amino acid(s) are replaced with 86 different amino acid(s), and other similar variants have been reported in HGMD; Not observed at significant frequency in large population cohorts (gnomAD); This variant is associated with the following publications: (PMID: 20127975)

Labcorp Genetics (formerly Invitae), Labcorp
Classification: Pathogenic. Last evaluated: 2023-07-07. Review status: criteria provided, single submitter. Criteria: Invitae Variant Classification Sherloc (09022015). Collection method: clinical testing. Allele origin: germline.
Comment: This sequence change creates a premature translational stop signal (p.Phe294Serfs*87) in the PAX3 gene. While this is not anticipated to result in nonsense mediated decay, it is expected to disrupt the last 186 amino acid(s) of the PAX3 protein. This variant is not present in population databases (gnomAD no frequency). This premature translational stop signal has been observed in individual(s) with Waardenburg syndrome (PMID: 20127975). ClinVar contains an entry for this variant (Variation ID: 1447634). This variant disrupts a region of the PAX3 protein in which other variant(s) (p.Val339Thrfs*70) have been determined to be pathogenic (Invitae). This suggests that this is a clinically significant region of the protein, and that variants that disrupt it are likely to be disease-causing. For these reasons, this variant has been classified as Pathogenic.

Blueprint Genetics
Classification: Pathogenic for PAX3-related disorders. Last evaluated: 2017-08-01. Review status: criteria provided, single submitter. Criteria: ACMG Guidelines, 2015. Collection method: clinical testing. Allele origin: germline. Affected: yes. Observed: 1 variant allele.

Literature cited by the submitters: PubMed 20127975 (cited by Kasturba Medical College, Manipal, Kasturba Medical College, Manipal, Manipal Academy of Higher Education, Manipal, India and Labcorp Genetics (formerly Invitae), Labcorp).